The following is an entry in ClinVar:

NM_000548.5(TSC2):c.97G>A (p.Gly33Ser)

Gene: TSC2 (TSC complex subunit 2; plus strand). Cytogenetic location: 16p13.3.
Variant type: single nucleotide variant.
Coding change: c.97G>A on transcript NM_000548.5 (MANE Select); coding-DNA position 97, G replaced by A.
Protein change: p.Gly33Ser; replaces glycine 33 with serine.
Molecular consequence: missense variant. On other transcripts: 5 prime UTR variant (1), intron variant (1).
Genome position (GRCh38, 1-based): chr16:2,048,712, G>A. VCF-style: chr16-2048712-G-A. GRCh37 (hg19) VCF-style: chr16-2098713-G-A.
Other names: c.97G>A, p.Gly33Ser (NM_001077183.3, NM_001114382.3, NM_001318827.2 and 4 more transcripts); c.-130G>A (NM_001318831.2); c.130G>A, p.Gly44Ser (NM_001318832.2); c.-10+647G>A (NM_001318829.2); short protein forms G33S, G44S.
Identifiers: ClinVar variation 486639 (VCV000486639.18), dbSNP rs370230541, ClinGen allele CA056868.

ClinVar aggregate classification (germline): Conflicting classifications of pathogenicity. Review status: criteria provided, conflicting classifications (1 of 4 stars). 3 submissions from 3 submitters: Uncertain significance (2); Benign (1). Last evaluated 2025-08-14.

Conditions:
Hereditary cancer-predisposing syndrome. Also called: Tumor predisposition; Neoplastic Syndromes, Hereditary; Hereditary Cancer Syndrome; Hereditary neoplastic syndrome. Identifiers: Orphanet 140162, MedGen C0027672, MeSH D009386, MONDO:0015356.
Tuberous sclerosis 2 (TSC2). Identifiers: Orphanet 805, MedGen C1860707, MONDO:0013199, OMIM 613254.

Allele frequency attached by ClinVar (database versions not stated): gnomAD exomes below 0.00001; ExAC 0.00001; gnomAD 0.00001; TOPMed 0.00001.

Submissions (3):

Ambry Genetics
Classification: Uncertain significance for Hereditary cancer-predisposing syndrome. Last evaluated: 2025-08-14. Review status: criteria provided, single submitter. Criteria: Ambry Variant Classification Scheme 2023. Collection method: clinical testing. Allele origin: germline.
Comment: The p.G33S variant (also known as c.97G>A), located in coding exon 1 of the TSC2 gene, results from a G to A substitution at nucleotide position 97. The glycine at codon 33 is replaced by serine, an amino acid with similar properties. This amino acid position is well conserved in available vertebrate species. In addition, the in silico prediction for this alteration is inconclusive. Since supporting evidence is limited at this time, the clinical significance of this alteration remains unclear.

Labcorp Genetics (formerly Invitae), Labcorp
Classification: Benign for Tuberous sclerosis 2. Last evaluated: 2025-05-26. Review status: criteria provided, single submitter. Criteria: Invitae Variant Classification Sherloc (09022015). Collection method: clinical testing. Allele origin: germline.

Genome-Nilou Lab
Classification: Uncertain significance for Tuberous sclerosis 2. Last evaluated: 2021-11-07. Review status: criteria provided, single submitter. Criteria: ACMG Guidelines, 2015. Collection method: clinical testing. Allele origin: germline. Affected: no.